The following is an entry in ClinVar:

NM_001276277.3(PPIP5K2):c.3484G>A (p.Ala1162Thr)

Gene: PPIP5K2 (diphosphoinositol pentakisphosphate kinase 2; plus strand). Cytogenetic location: 5q21.1.
Variant type: single nucleotide variant.
Coding change: c.3484G>A on transcript NM_001276277.3 (MANE Select); coding-DNA position 3484, G replaced by A.
Protein change: p.Ala1162Thr; replaces alanine 1162 with threonine.
Molecular consequence: missense variant.
Genome position (GRCh38, 1-based): chr5:103,190,973, G>A. VCF-style: chr5-103190973-G-A. GRCh37 (hg19) VCF-style: chr5-102526674-G-A.
Other names: c.3421G>A (NM_015216.2); c.3589G>A, p.Ala1197Thr (NM_001281471.3); c.3310G>A, p.Ala1104Thr (NM_001345871.2); c.3355G>A, p.Ala1119Thr (NM_001345872.2); c.3481G>A, p.Ala1161Thr (NM_001345873.2); c.3247G>A, p.Ala1083Thr (NM_001345874.2); c.3127G>A, p.Ala1043Thr (NM_001345875.2); c.3301G>A, p.Ala1101Thr (NM_001345876.2); and 3 more; short protein forms A1042T, A1043T, A1083T, A1100T, A1101T, A1104T, A1119T, A1141T.
Identifiers: ClinVar variation 3048649 (VCV003048649.3), dbSNP rs115683549, ClinGen allele CA3360691.
Genomic context (GRCh38, chr5:103,190,973, plus strand): 5'-CAAGTGGATGAATTTCTTGCTTCCATTGCTTCTCCATCATCTGACGTTCCACGGAAGACC[G>A]CTGAAATTTGTAGGAAATTTTTCTTTCATTGTTATTATTTAGTTGCTGGGCAACTACATA-3'
Protein context (NP_001263206.1, residues 1152-1172): SPSSDVPRKT[Ala1162Thr]EISSTALRSS

ClinVar aggregate classification (germline): Uncertain significance. Review status: criteria provided, single submitter (1 of 4 stars). 2 submissions from 2 submitters: Uncertain significance (1). 1 of the submissions does not count toward it. Last evaluated 2025-08-06.

Conditions:
PPIP5K2-related disorder. Also called: PPIP5K2-related condition.

Allele frequency attached by ClinVar (database versions not stated): 1000 Genomes Project 0.00200; TOPMed 0.00203; 1000 Genomes Project 30x 0.00219; ESP Exome Variant Server 0.00292.
gnomAD v4.1: 837 of 1,602,212 alleles (0.052%); highest among the groups gnomAD compares: African/African-American, 0.63%; 1 homozygote.

Submissions (2):

Ambry Genetics
Classification: Uncertain significance. Last evaluated: 2025-08-06. Review status: criteria provided, single submitter. Criteria: Ambry Variant Classification Scheme 2023. Collection method: clinical testing. Allele origin: germline.

PreventionGenetics, part of Exact Sciences
Classification: Likely benign for PPIP5K2-related condition. Last evaluated: 2019-12-16. Review status: no assertion criteria provided. Collection method: clinical testing. Allele origin: germline. Not counted in ClinVar's aggregate classification.
Comment: This variant is classified as likely benign based on ACMG/AMP sequence variant interpretation guidelines (Richards et al. 2015 PMID: 25741868, with internal and published modifications).